The following is an entry in ClinVar:

ClinVar aggregate classification (germline): Pathogenic (1 of 4 stars; one submission).

Conditions:
Sphingolipid activator protein 1 deficiency. Also called: METACHROMATIC LEUKODYSTROPHY DUE TO CEREBROSIDE SULFATASE ACTIVATOR DEFICIENCY; Metachromatic leukodystrophy due to saposin B deficiency; Saposin B Deficiency. Identifiers: Orphanet 512, MedGen C0268262, MONDO:0009590, OMIM 249900.

Submission:

Labcorp Genetics (formerly Invitae), Labcorp
Classification: Pathogenic for Sphingolipid activator protein 1 deficiency. Last evaluated: 2022-05-11. Review status: criteria provided, single submitter. Criteria: Invitae Variant Classification Sherloc (09022015). Collection method: clinical testing. Allele origin: germline.
Comment: This sequence change creates a premature translational stop signal (p.Leu177Serfs*18) in the PSAP gene. It is expected to result in an absent or disrupted protein product. Loss-of-function variants in PSAP are known to be pathogenic (PMID: 8554069, 11309366, 17616409, 19267410, 30632081). This variant is not present in population databases (gnomAD no frequency). This variant has not been reported in the literature in individuals affected with PSAP-related conditions. For these reasons, this variant has been classified as Pathogenic.

Literature cited by the submitters: PubMed 8554069; PubMed 11309366; PubMed 17616409; PubMed 19267410; PubMed 30632081.

NM_002778.4(PSAP):c.527dup (p.Leu177fs)

Gene: PSAP (prosaposin; minus strand). Cytogenetic location: 10q22.1.
Variant type: Duplication.
Coding change: c.527dup on transcript NM_002778.4 (MANE Select); coding-DNA position 527, one base duplicated (C; older notation c.527dupC).
Protein change: p.Leu177fs; shifts the reading frame from leucine 177.
Molecular consequence: frameshift variant.
Genome position (GRCh38, 1-based): chr10:71,828,926, G duplicated on the plus strand (C on the coding strand, the reverse complement: PSAP is on the minus strand); the first of 3 consecutive G bases (chr10:71,828,926-71,828,928); duplicating any one gives the same sequence. VCF-style (leftmost placement, unchanged base first): chr10-71828925-A-AG. GRCh37 (hg19) VCF-style: chr10-73588682-A-AG.
Other names: c.527dup, p.Leu177fs (NM_001042465.3, NM_001042466.3); short protein forms L177fs.
Identifiers: ClinVar variation 1993070 (VCV001993070.4), dbSNP rs2494525720, ClinGen allele CA2580081863.